The following is an entry in ClinVar:

NM_025136.4(OPA3):c.289C>G (p.Leu97Val)

Genes: OPA3 (outer mitochondrial membrane lipid metabolism regulator OPA3; minus strand), OPA3-RTN2 (OPA3-RTN2 readthrough; minus strand). Cytogenetic location: 19q13.32.
Variant type: single nucleotide variant.
Coding change: c.289C>G on transcript NM_025136.4 (MANE Select); coding-DNA position 289, C replaced by G.
Protein change: p.Leu97Val; replaces leucine 97 with valine.
Molecular consequence: missense variant. On other transcripts: intron variant (1).
Genome position (GRCh38, 1-based): chr19:45,553,765, G>C on the plus strand (C>G on the coding strand, the complement: OPA3 is on the minus strand). VCF-style: chr19-45553765-G-C. GRCh37 (hg19) VCF-style: chr19-46057023-G-C.
Other names: c.143-24309C>G (NM_001017989.3); short protein forms L97V.
Identifiers: ClinVar variation 2195198 (VCV002195198.2), dbSNP rs755295420, ClinGen allele CA308958943.

ClinVar aggregate classification (germline): Uncertain significance (1 of 4 stars; one submission).

Conditions:
Optic atrophy 3 (OPA3). Also called: OPTIC ATROPHY 3, AUTOSOMAL DOMINANT; Optic atrophy, cataract, and neurologic disorder; Optic atrophy 3 with cataract. Identifiers: Orphanet 67036, MedGen C1833809, MONDO:0008133, OMIM 165300.
3-Methylglutaconic aciduria type 3 (MGCA3). Also called: OPA3, AUTOSOMAL RECESSIVE; OPTIC ATROPHY 3, AUTOSOMAL RECESSIVE; OPA3-Related 3-Methylglutaconic Aciduria; Costeff Syndrome. Identifiers: Orphanet 67047, MedGen C0574084, MONDO:0009787, OMIM 258501.

gnomAD v4.1: 3 of 1,612,682 alleles (0.00019%); highest among the groups gnomAD compares: Admixed American, 0.005%; no homozygotes.

Submission:

Labcorp Genetics (formerly Invitae), Labcorp
Classification: Uncertain significance for 3-Methylglutaconic aciduria type 3; Optic atrophy 3. Last evaluated: 2025-10-08. Review status: criteria provided, single submitter. Criteria: Invitae Variant Classification Sherloc (09022015). Collection method: clinical testing. Allele origin: germline.
Comment: This sequence change replaces leucine, which is neutral and non-polar, with valine, which is neutral and non-polar, at codon 97 of the OPA3 protein (p.Leu97Val). This variant is present in population databases (no rsID available, gnomAD 0.009%). This variant has not been reported in the literature in individuals affected with OPA3-related conditions. ClinVar contains an entry for this variant (Variation ID: 2195198). An algorithm developed to predict the effect of missense changes on protein structure and function (PolyPhen-2) suggests that this variant is likely to be disruptive. In summary, the available evidence is currently insufficient to determine the role of this variant in disease. Therefore, it has been classified as a Variant of Uncertain Significance.